The following is an entry in ClinVar:

NM_001257293.2(HNRNPH1):c.743G>C (p.Gly248Ala)

Genes: HNRNPH1 (heterogeneous nuclear ribonucleoprotein H1; minus strand), LOC128966623 (uncharacterized LOC128966623; plus strand). Cytogenetic location: 5q35.3.
Variant type: single nucleotide variant.
Coding change: c.743G>C on transcript NM_001257293.2 (MANE Select); coding-DNA position 743, G replaced by C.
Protein change: p.Gly248Ala; replaces glycine 248 with alanine.
Molecular consequence: missense variant. On other transcripts: intron variant (1).
Genome position (GRCh38, 1-based): chr5:179,618,033, C>G on the plus strand (G>C on the coding strand, the complement: HNRNPH1 is on the minus strand). VCF-style: chr5-179618033-C-G. GRCh37 (hg19) VCF-style: chr5-179045034-C-G.
Other names: c.743G>C, p.Gly248Ala (NM_001364245.2, NM_001364246.2, NM_001364247.2 and 36 more transcripts); c.587G>C, p.Gly196Ala (NM_001364250.2); c.140G>C, p.Gly47Ala (NM_001364251.2, NM_001364252.2, NM_001364253.2 and 4 more transcripts); c.398-122G>C (NM_001395193.1); c.512G>C, p.Gly171Ala (NM_001395190.1); c.425G>C, p.Gly142Ala (NM_001395191.1, NM_001395192.1); short protein forms G142A, G171A, G196A, G248A, G47A.
Identifiers: ClinVar variation 4845452 (VCV004845452.1).
Genomic context (GRCh38, chr5:179,618,033, plus strand): 5'-TCAATTCTTACCTTACCTCTTCCAAATCTATCTGACCCAAATCCATAGCCATCATTATAG[C>G]CATTGTAATCATCATAGCCTCCATAGCCTGAAAGACAAAGTACAATCAATCAAATAAAAC-3'
Protein context (NP_001244222.1, residues 238-258): GGYGGYDDYN[Gly248Ala]YNDGYGFGSD

ClinVar aggregate classification (germline): Uncertain significance (1 of 4 stars; one submission).

Submission:

Greenwood Genetic Center Diagnostic Laboratories, Greenwood Genetic Center
Classification: Uncertain significance. Last evaluated: 2025-11-11. Review status: criteria provided, single submitter. Criteria: ACMG Guidelines, 2015. Collection method: clinical testing. Allele origin: germline. Affected: yes.
Comment: PM2, BP4, PP2